The following is an entry in ClinVar:

ClinVar aggregate classification (germline): Likely pathogenic (1 of 4 stars; one submission).

gnomAD v4.1: 1 of 1,614,200 alleles (0.000062%); no homozygotes.

Submission:

Labcorp Genetics (formerly Invitae), Labcorp
Classification: Likely pathogenic. Last evaluated: 2025-04-17. Review status: criteria provided, single submitter. Criteria: Invitae Variant Classification Sherloc (09022015). Collection method: clinical testing. Allele origin: germline.
Comment: This sequence change affects a donor splice site in intron 7 of the MTHFD1 gene. It is expected to disrupt RNA splicing. Variants that disrupt the donor or acceptor splice site typically lead to a loss of protein function (PMID: 16199547), and loss-of-function variants in MTHFD1 are known to be pathogenic (PMID: 21813566, 25633902). This variant is not present in population databases (gnomAD no frequency). This variant has not been reported in the literature in individuals affected with MTHFD1-related conditions. ClinVar contains an entry for this variant (Variation ID: 3612559). Algorithms developed to predict the effect of sequence changes on RNA splicing suggest that this variant may disrupt the consensus splice site. In summary, the currently available evidence indicates that the variant is pathogenic, but additional data are needed to prove that conclusively. Therefore, this variant has been classified as Likely Pathogenic.

Literature cited by the submitters: PubMed 16199547; PubMed 21813566; PubMed 25633902.

NM_005956.4(MTHFD1):c.615+1G>A

Gene: MTHFD1 (methylenetetrahydrofolate dehydrogenase, cyclohydrolase and formyltetrahydrofolate synthetase 1; plus strand). Cytogenetic location: 14q23.3.
Variant type: single nucleotide variant.
Coding change: c.615+1G>A on transcript NM_005956.4 (MANE Select); the canonical splice donor site of the intron after coding-DNA position 615, G replaced by A.
Molecular consequence: splice donor variant.
Genome position (GRCh38, 1-based): chr14:64,418,025, G>A. VCF-style: chr14-64418025-G-A. GRCh37 (hg19) VCF-style: chr14-64884743-G-A.
Other names: c.615+1G>A (NM_001364837.1).
Identifiers: ClinVar variation 3612559 (VCV003612559.2).